The following is an entry in ClinVar:

ClinVar aggregate classification (germline): Conflicting classifications of pathogenicity. Review status: criteria provided, conflicting classifications (1 of 4 stars). 5 submissions from 5 submitters: Uncertain significance (2); Likely benign (3). Last evaluated 2026-06-29.

Conditions:
Peroxisome biogenesis disorder 13A (Zellweger). Also called: Peroxisome biogenesis disorder 13A. Identifiers: Orphanet 912, MedGen C3554004, MONDO:0013952, OMIM 614887.
Peroxisome biogenesis disorder, complementation group K (CGK). Identifiers: MedGen C1866257, MONDO:0800365.
PEX14-related disorder. Also called: PEX14-related condition.

Allele frequency attached by ClinVar (database versions not stated): TOPMed 0.00011; gnomAD 0.00012 and 0.00013; gnomAD exomes 0.00020 and 0.00040; ESP Exome Variant Server 0.00023; ExAC 0.00066.
gnomAD v4.1: 324 of 1,610,784 alleles (0.02%); highest among the groups gnomAD compares: Non-Finnish European, 0.023%; no homozygotes.

Submissions (5):

PreventionGenetics, part of Exact Sciences
Classification: Likely benign for PEX14-related condition. Last evaluated: 2026-06-29. Review status: criteria provided, single submitter. Criteria: ACMG Guidelines, 2015. Collection method: clinical testing. Allele origin: germline.
Comment: This variant is classified as likely benign based on ACMG/AMP sequence variant interpretation guidelines (Richards et al. 2015 PMID: 25741868, with internal and published modifications).

Labcorp Genetics (formerly Invitae), Labcorp
Classification: Likely benign for Peroxisome biogenesis disorder, complementation group K. Last evaluated: 2025-12-30. Review status: criteria provided, single submitter. Criteria: Invitae Variant Classification Sherloc (09022015). Collection method: clinical testing. Allele origin: germline.

Blueprint Genetics
Classification: Likely benign. Last evaluated: 2024-05-03. Review status: criteria provided, single submitter. Criteria: ACMG Guidelines, 2015. Collection method: clinical testing. Allele origin: germline.

Illumina Laboratory Services, Illumina
Classification: Uncertain significance for Peroxisome biogenesis disorder 13A (Zellweger). Last evaluated: 2018-01-12. Review status: criteria provided, single submitter. Criteria: ICSL Variant Classification Criteria 13 December 2019. Collection method: clinical testing. Allele origin: germline.

Eurofins Ntd Llc (ga)
Classification: Uncertain significance. Last evaluated: 2017-01-03. Review status: criteria provided, single submitter. Criteria: EGL Classification Definitions 2015. Collection method: clinical testing. Allele origin: germline. Observed: 1 variant allele, 1 heterozygote.

NM_004565.3(PEX14):c.381C>T (p.Tyr127=)

Gene: PEX14 (peroxisomal biogenesis factor 14; plus strand). Cytogenetic location: 1p36.22.
Variant type: single nucleotide variant.
Coding change: c.381C>T on transcript NM_004565.3 (MANE Select); coding-DNA position 381, C replaced by T.
Protein change: p.Tyr127=; no amino-acid change (tyrosine 127 retained).
Molecular consequence: synonymous variant.
Genome position (GRCh38, 1-based): chr1:10,618,414, C>T. VCF-style: chr1-10618414-C-T. GRCh37 (hg19) VCF-style: chr1-10678471-C-T.
Identifiers: ClinVar variation 291675 (VCV000291675.21), dbSNP rs372630614, ClinGen allele CA583812.